The following is an entry in ClinVar:

ClinVar aggregate classification (germline): Likely pathogenic (1 of 4 stars; one submission).

Submission:

GeneDx
Classification: Likely pathogenic. Last evaluated: 2017-07-31. Review status: criteria provided, single submitter. Criteria: GeneDx Variant Classification (06012015). Collection method: clinical testing. Allele origin: germline. Affected: yes.
Comment: The T185I variant has not been published as a pathogenic variant, nor has it been reported as a benign variant to our knowledge. The T185I variant is not observed in large population cohorts (Lek et al., 2016; 1000 Genomes Consortium et al., 2015; Exome Variant Server). The T185I variant is a non-conservative amino acid substitution that is predicted to occur at a conserved position in the intracellular loop between the S2 and S3 transmembrane segments of the first homologous domain. In silico analysis predicts this variant is probably damaging to the protein structure/function. Therefore, we interpret T185I as a likely pathogenic variant.

NM_001040142.2(SCN2A):c.554C>T (p.Thr185Ile)

Gene: SCN2A (sodium voltage-gated channel alpha subunit 2; plus strand). Cytogenetic location: 2q24.3.
Variant type: single nucleotide variant.
Coding change: c.554C>T on transcript NM_001040142.2 (MANE Select); coding-DNA position 554, C replaced by T.
Protein change: p.Thr185Ile; replaces threonine 185 with isoleucine.
Molecular consequence: missense variant.
Genome position (GRCh38, 1-based): chr2:165,308,743, C>T. VCF-style: chr2-165308743-C-T. GRCh37 (hg19) VCF-style: chr2-166165253-C-T.
Other names: c.554C>T, p.Thr185Ile (NM_001040143.2, NM_001371246.1, NM_001371247.1 and 1 more transcripts); short protein forms T185I.
Identifiers: ClinVar variation 451069 (VCV000451069.2), dbSNP rs1553567347, ClinGen allele CA349016537.
Genomic context (GRCh38, chr2:165,308,743, plus strand): 5'-TTTATACTTTTGAATCACTTATTAAAATACTTGCAAGGGGCTTTTGTTTAGAAGATTTCA[C>T]ATTTTTACGGGATCCATGGAATTGGTTGGATTTCACAGTCATTACTTTTGCGTAAGTATC-3'
Protein context (NP_001035232.1, residues 175-195): LARGFCLEDF[Thr185Ile]FLRDPWNWLD